The following is an entry in ClinVar:

ClinVar aggregate classification (germline): Likely benign (1 of 4 stars; one submission).

Conditions:
Atypical hemolytic-uremic syndrome with thrombomodulin anomaly. Also called: HEMOLYTIC UREMIC SYNDROME, ATYPICAL, SUSCEPTIBILITY TO, 6; AHUS, SUSCEPTIBILITY TO, 6. Identifiers: MedGen C2752036, MONDO:0013044, OMIM 612926. Disease mechanism: gain of function.

Allele frequency attached by ClinVar (database versions not stated): gnomAD 0.00014 and 0.00019; TOPMed 0.00030; gnomAD exomes 0.00032; 1000 Genomes Project 30x 0.00094; 1000 Genomes Project 0.00100.

Submission:

Illumina Laboratory Services, Illumina
Classification: Likely benign for Atypical hemolytic-uremic syndrome with thrombomodulin anomaly. Last evaluated: 2018-01-13. Review status: criteria provided, single submitter. Criteria: ICSL Variant Classification Criteria 13 December 2019. Collection method: clinical testing. Allele origin: germline.
Comment: This variant was observed in the ICSL laboratory as part of a predisposition screen in an ostensibly healthy population. It had not been previously curated by ICSL or reported in the Human Gene Mutation Database (HGMD: prior to June 1st, 2018), and was therefore a candidate for classification through an automated scoring system. Utilizing variant allele frequency, disease prevalence and penetrance estimates, and inheritance mode, an automated score was calculated to assess if this variant is too frequent to cause the disease. Based on the score and internal cut-off values, a variant classified as likely benign is not then subjected to further curation. The score for this variant resulted in a classification of likely benign for this disease.

NM_000361.3(THBD):c.*325T>C

Gene: THBD (thrombomodulin; minus strand). Cytogenetic location: 20p11.21.
Variant type: single nucleotide variant.
Coding change: c.*325T>C on transcript NM_000361.3 (MANE Select); 325 bases downstream of the stop codon, T replaced by C.
Molecular consequence: 3 prime UTR variant.
Genome position (GRCh38, 1-based): chr20:23,047,452, A>G on the plus strand (T>C on the coding strand, the complement: THBD is on the minus strand). VCF-style: chr20-23047452-A-G. GRCh37 (hg19) VCF-style: chr20-23028089-A-G.
Identifiers: ClinVar variation 337873 (VCV000337873.5), dbSNP rs186669520, ClinGen allele CA10649423.